The following is an entry in ClinVar:

ClinVar aggregate classification (germline): Uncertain significance. Review status: criteria provided, multiple submitters, no conflicts (2 of 4 stars). 5 submissions from 5 submitters: Uncertain significance (4). 1 of the submissions does not count toward it. Last evaluated 2025-09-03.

Conditions:
Hereditary cancer-predisposing syndrome. Also called: Neoplastic Syndromes, Hereditary; Tumor predisposition; Hereditary Cancer Syndrome; Hereditary neoplastic syndrome. Identifiers: Orphanet 140162, MedGen C0027672, MeSH D009386, MONDO:0015356.
Ataxia-telangiectasia syndrome (AT). Also called: Ataxia telangiectasia (A-T); Ataxia-telangiectasia, complementation group D; AT, COMPLEMENTATION GROUP C; ATAXIA-TELANGIECTASIA, COMPLEMENTATION GROUP A; Ataxia-telangiectasia, complementation group E; ATAXIA-TELANGIECTASIA, FRESNO VARIANT. Identifiers: Orphanet 100, MedGen C0004135, MONDO:0008840, OMIM 208900.

gnomAD v4.1: 1 of 1,613,764 alleles (0.000062%); highest among the groups gnomAD compares: Non-Finnish European, 0.000085%; no homozygotes.

Submissions (5):

Labcorp Genetics (formerly Invitae), Labcorp
Classification: Uncertain significance for Ataxia-telangiectasia syndrome. Last evaluated: 2025-09-03. Review status: criteria provided, single submitter. Criteria: Invitae Variant Classification Sherloc (09022015). Collection method: clinical testing. Allele origin: germline.
Comment: This sequence change replaces glycine, which is neutral and non-polar, with arginine, which is basic and polar, at codon 255 of the ATM protein (p.Gly255Arg). This variant is not present in population databases (gnomAD no frequency). This variant has not been reported in the literature in individuals affected with ATM-related conditions. ClinVar contains an entry for this variant (Variation ID: 566497). Invitae Evidence Modeling of protein sequence and biophysical properties (such as structural, functional, and spatial information, amino acid conservation, physicochemical variation, residue mobility, and thermodynamic stability) indicates that this missense variant is not expected to disrupt ATM protein function with a negative predictive value of 95%. In summary, the available evidence is currently insufficient to determine the role of this variant in disease. Therefore, it has been classified as a Variant of Uncertain Significance.

Center for Genomic Medicine, Rigshospitalet, Copenhagen University Hospital
Classification: Uncertain significance. Last evaluated: 2025-03-04. Review status: criteria provided, single submitter. Criteria: ACMG Guidelines, 2015. Collection method: clinical testing. Allele origin: germline.

Ambry Genetics
Classification: Uncertain significance for Hereditary cancer-predisposing syndrome. Last evaluated: 2024-12-05. Review status: criteria provided, single submitter. Criteria: Ambry Variant Classification Scheme 2023. Collection method: clinical testing. Allele origin: germline.
Comment: The p.G255R variant (also known as c.763G>C), located in coding exon 6 of the ATM gene, results from a G to C substitution at nucleotide position 763. The glycine at codon 255 is replaced by arginine, an amino acid with dissimilar properties. This amino acid position is highly conserved in available vertebrate species. In addition, the in silico prediction for this alteration is inconclusive. Based on the available evidence, the clinical significance of this variant remains unclear.

Color Diagnostics, LLC DBA Color Health
Classification: Uncertain significance for Hereditary cancer-predisposing syndrome. Last evaluated: 2024-03-06. Review status: criteria provided, single submitter. Criteria: ACMG Guidelines, 2015. Collection method: clinical testing. Allele origin: germline.
Comment: This missense variant replaces glycine with arginine at codon 255 of the ATM protein. Computational prediction suggests that this variant may not impact protein structure and function (internally defined REVEL score threshold <= 0.5, PMID: 27666373). To our knowledge, functional studies have not been reported for this variant. This variant has not been reported in individuals affected with hereditary cancer in the literature. This variant has not been identified in the general population by the Genome Aggregation Database (gnomAD). The available evidence is insufficient to determine the role of this variant in disease conclusively. Therefore, this variant is classified as a Variant of Uncertain Significance.

Natera, Inc.
Classification: Uncertain significance for Ataxia-telangiectasia. Last evaluated: 2020-02-12. Review status: no assertion criteria provided. Collection method: clinical testing. Allele origin: germline. Not counted in ClinVar's aggregate classification.

NM_000051.4(ATM):c.763G>C (p.Gly255Arg)

Gene: ATM (ATM serine/threonine kinase; plus strand). Cytogenetic location: 11q22.3.
Variant type: single nucleotide variant.
Coding change: c.763G>C on transcript NM_000051.4 (MANE Select); coding-DNA position 763, G replaced by C.
Protein change: p.Gly255Arg; replaces glycine 255 with arginine.
Molecular consequence: missense variant.
Genome position (GRCh38, 1-based): chr11:108,244,888, G>C. VCF-style: chr11-108244888-G-C. GRCh37 (hg19) VCF-style: chr11-108115615-G-C.
Other names: c.763G>C, p.Gly255Arg (NM_001351834.2); short protein forms G255R.
Identifiers: ClinVar variation 566497 (VCV000566497.27), dbSNP rs770911662, ClinGen allele CA382529296.